The following is an entry in ClinVar:

NM_021076.4(NEFH):c.2716C>A (p.Pro906Thr)

Gene: NEFH (neurofilament heavy chain; plus strand). Cytogenetic location: 22q12.2.
Variant type: single nucleotide variant.
Coding change: c.2716C>A on transcript NM_021076.4 (MANE Select); coding-DNA position 2716, C replaced by A.
Protein change: p.Pro906Thr; replaces proline 906 with threonine.
Molecular consequence: missense variant.
Genome position (GRCh38, 1-based): chr22:29,490,356, C>A. VCF-style: chr22-29490356-C-A. GRCh37 (hg19) VCF-style: chr22-29886345-C-A.
Other names: short protein forms P906T.
Identifiers: ClinVar variation 2428404 (VCV002428404.6), dbSNP rs1184095162, ClinGen allele CA411138451.

ClinVar aggregate classification (germline): Uncertain significance (1 of 4 stars; one submission).

Allele frequency attached by ClinVar (database versions not stated): TOPMed 0.00002.
gnomAD v4.1: 7 of 1,613,310 alleles (0.00043%); highest among the groups gnomAD compares: Admixed American, 0.012%; no homozygotes.

Submission:

Labcorp Genetics (formerly Invitae), Labcorp
Classification: Uncertain significance. Last evaluated: 2025-12-04. Review status: criteria provided, single submitter. Criteria: Invitae Variant Classification Sherloc (09022015). Collection method: clinical testing. Allele origin: germline.
Comment: This sequence change replaces proline, which is neutral and non-polar, with threonine, which is neutral and polar, at codon 906 of the NEFH protein (p.Pro906Thr). This variant is present in population databases (no rsID available, gnomAD 0.006%). This variant has not been reported in the literature in individuals affected with NEFH-related conditions. ClinVar contains an entry for this variant (Variation ID: 2428404). Invitae Evidence Modeling of protein sequence and biophysical properties (such as structural, functional, and spatial information, amino acid conservation, physicochemical variation, residue mobility, and thermodynamic stability) indicates that this missense variant is not expected to disrupt NEFH protein function with a negative predictive value of 95%. In summary, the available evidence is currently insufficient to determine the role of this variant in disease. Therefore, it has been classified as a Variant of Uncertain Significance.